The following continues an entry in ClinVar:

NM_000492.4(CFTR):c.2758G>A (p.Val920Met)

Gene: CFTR. ClinVar aggregate classification (germline): Conflicting classifications of pathogenicity. Pathogenic (1); Uncertain significance (11).

Submissions 7 to 15 of 15:

ARUP Laboratories, Molecular Genetics and Genomics, ARUP Laboratories
Classification: Uncertain significance. Last evaluated: 2022-09-19. Review status: criteria provided, single submitter. Criteria: ARUP Molecular Germline Variant Investigation Process 2021. Collection method: clinical testing. Allele origin: germline.
Comment: The CFTR c.2758G>A; p.Val920Met variant (rs373885282) is reported in the literature in the compound heterozygous state with a second pathogenic or pathogenic-mild variant in individuals affected with cystic fibrosis or CFTR-related disorders (see link to cystic fibrosis mutation database, Claustres 2000, Cohn 2005, Trujillano 2013). However, this variant is also reported in individuals affected with CFTR-related disorders in the heterozygous state without a second pathogenic variant (Amato 2012, Bernardino 2003, Rene 2011), or with other variants that potentially explain the phenotype (Groman 2002, Masson 2013). This variant is reported in ClinVar (Variation ID: 53561), and is found in the general population with an overall allele frequency of 0.013% (36/282810 alleles, including a single homozygote) in the Genome Aggregation Database. The valine at codon 920 is highly conserved, and computational analyses predict that this variant is deleterious (REVEL: 0.792). Due to conflicting information, the clinical significance of the p.Val920Met variant is uncertain at this time. References: Link to cystic fibrosis mutation database: Amato F et al. Extensive molecular analysis of patients bearing CFTR-related disorders. J Mol Diagn. 2012 Jan;14(1):81-9. PMID: 22020151. Bernardino AL et al. CFTR, PRSS1 and SPINK1 mutations in the development of pancreatitis in Brazilian patients. JOP. 2003 Sep;4(5):169-77. PMID: 14526128. Claustres M et al. Spectrum of CFTR mutations in cystic fibrosis and in congenital absence of the vas deferens in France. Hum Mutat. 2000;16(2):143-56. PMID: 10923036. Cohn JA et al. Increased risk of idiopathic chronic pancreatitis in cystic fibrosis carriers. Hum Mutat. 2005 Oct;26(4):303-7. PMID: 16134171. Groman JD et al. Variant cystic fibrosis phenotypes in the absence of CFTR mutations. N Engl J Med. 2002 Aug 8;347(6):401-7. PMID: 12167682. Masson E et al. A conservative assessment of the major genetic causes of idiopathic chronic pancreatitis: data from a comprehensive analysis of PRSS1, SPINK1, CTRC and CFTR genes in 253 young French patients. PLoS One. 2013 Aug 8;8(8):e73522. PMID: 23951356. Rene C et al. p.Ser1235Arg should no longer be considered as a cystic fibrosis mutation: results from a large collaborative study. Eur J Hum Genet. 2011 Jan;19(1):36-42. PMID: 20717170. Trujillano D et al. Next generation diagnostics of cystic fibrosis and CFTR-related disorders by targeted multiplex high-coverage resequencing of CFTR. J Med Genet. 2013 Jul;50(7):455-62. PMID: 23687349.

Genome-Nilou Lab
Classification: Uncertain significance for Cystic fibrosis. Last evaluated: 2021-07-22. Review status: criteria provided, single submitter. Criteria: ACMG Guidelines, 2015. Collection method: clinical testing. Allele origin: germline. Affected: no.

Mendelics
Classification: Uncertain significance for Cystic fibrosis. Last evaluated: 2019-05-28. Review status: criteria provided, single submitter. Criteria: Mendelics Assertion Criteria 2017. Collection method: clinical testing. Allele origin: unknown.

Fulgent Genetics
Classification: Uncertain significance for Hereditary pancreatitis; Bronchiectasis with or without elevated sweat chloride 1; Cystic fibrosis; Congenital bilateral aplasia of vas deferens from CFTR mutation. Last evaluated: 2018-10-31. Review status: criteria provided, single submitter. Criteria: ACMG Guidelines, 2015. Collection method: clinical testing. Allele origin: unknown.

Eurofins Ntd Llc (ga)
Classification: Uncertain significance. Last evaluated: 2018-01-08. Review status: criteria provided, single submitter. Criteria: EGL Classification Definitions 2015. Collection method: clinical testing. Allele origin: germline. Observed: 1 variant allele, 1 heterozygote.

CENTOGENE GmbH and LLC - Guiding Precision Medicine
Classification: Pathogenic for Cystic fibrosis. Review status: criteria provided, single submitter. Criteria: ACMG Guidelines, 2015. Collection method: clinical testing. Allele origin: germline. Affected: yes.

PreventionGenetics, part of Exact Sciences
Classification: Uncertain significance for CFTR-related condition. Last evaluated: 2024-04-03. Review status: no assertion criteria provided. Collection method: clinical testing. Allele origin: germline. Not counted in ClinVar's aggregate classification.
Comment: The CFTR c.2758G>A variant is predicted to result in the amino acid substitution p.Val920Met. This variant was observed in the compound heterozygous state with p.F508del in a patient with congenital absence of the vas deferens and another patient with non-classic CF (Claustres et al. 2000. PubMed ID: 10923036). The c.2758G>A (p.Val920Met) variant has also been reported alongside a 5T/13TG allele (phase not specified) in a patient with a CFTR-related disorder (Trujillano et al. 2013. PubMed ID: 23687349 and Trujillano et al. 2015. PubMed ID: 26436105), in trans with a variant of uncertain significance in a patient with chronic pancreatitis (Cohn et al. 2005. PubMed ID: 16134171), and in affected individuals with other variants that potentially explain the phenotype (Groman et al. 2002. PubMed ID: 12167682; Masson et al. 2013. PubMed ID: 23951356). This variant is also reported in the heterozygous state without a second pathogenic variant in patients affected with CFTR-related disorders (Amato et al. 2012. PubMed ID: 22020151; René et al. 2011. PubMed ID: 20717170; de Becdelièvre et al. 2011. PubMed ID: 21184098) but was seen in the heterozygous state in a healthy control individual (Steiner et al. 2011. PubMed ID: 21520337). At this time, the clinical significance of this variant is uncertain due to the absence of conclusive functional and genetic evidence.

Counsyl
Classification: Uncertain significance for Cystic fibrosis. Last evaluated: 2017-11-13. Review status: no assertion criteria provided. Collection method: clinical testing. Allele origin: unknown. Not counted in ClinVar's aggregate classification.

ClinVar Staff, National Center for Biotechnology Information (NCBI)
No classification provided. Condition: CFTR-related disorders. Review status: no classification provided. Collection method: literature only. Allele origin: germline. Affected: yes. Not counted in ClinVar's aggregate classification.

Literature cited by the submitters: PubMed 10923036 (cited by 3 submitters); PubMed 14526128 (cited by 3 submitters); PubMed 23951356 (cited by Labcorp Genetics (formerly Invitae), Labcorp and Women's Health and Genetics/Laboratory Corporation of America, LabCorp); PubMed 36409994 (cited by 4 submitters); PubMed 12167682 (cited by Women's Health and Genetics/Laboratory Corporation of America, LabCorp and Counsyl); PubMed 20717170 (cited by 3 submitters); PubMed 16134171 (cited by Women's Health and Genetics/Laboratory Corporation of America, LabCorp and Mayo Clinic Laboratories, Mayo Clinic); PubMed 21184098 (cited by Women's Health and Genetics/Laboratory Corporation of America, LabCorp and Mayo Clinic Laboratories, Mayo Clinic); PubMed 21520337 (cited by Women's Health and Genetics/Laboratory Corporation of America, LabCorp); PubMed 22020151 (cited by 3 submitters); PubMed 23687349 (cited by Women's Health and Genetics/Laboratory Corporation of America, LabCorp); PubMed 26436105 (cited by Women's Health and Genetics/Laboratory Corporation of America, LabCorp and Mayo Clinic Laboratories, Mayo Clinic); PubMed 33083013 (cited by Women's Health and Genetics/Laboratory Corporation of America, LabCorp); PubMed 38388235 (cited by Women's Health and Genetics/Laboratory Corporation of America, LabCorp and Mayo Clinic Laboratories, Mayo Clinic); PubMed 38662334 (cited by Women's Health and Genetics/Laboratory Corporation of America, LabCorp); PubMed 15241793 (cited by Mayo Clinic Laboratories, Mayo Clinic and Ambry Genetics); PubMed 20021716 (cited by Mayo Clinic Laboratories, Mayo Clinic); PubMed 25087612 (cited by Mayo Clinic Laboratories, Mayo Clinic); PubMed 34297361 (cited by Mayo Clinic Laboratories, Mayo Clinic); PubMed 9881185 (cited by 4 submitters); PubMed 34996830 (cited by Quest Diagnostics Nichols Institute San Juan Capistrano); PubMed 35313924 (cited by Quest Diagnostics Nichols Institute San Juan Capistrano).